The following is an entry in ClinVar:

ClinVar aggregate classification (germline): Pathogenic. Review status: criteria provided, single submitter (1 of 4 stars). 2 submissions from 2 submitters: Pathogenic (1). 1 of the submissions does not count toward it. Last evaluated 2025-10-03.

Conditions:
X-linked recessive nephrolithiasis with renal failure (XRN). Also called: NEPHROLITHIASIS 1; NEPHROLITHIASIS, X-LINKED RECESSIVE, TYPE 1; UROLITHIASIS, X-LINKED RECESSIVE, TYPE 1. Identifiers: Orphanet 1652, Orphanet 93622, MedGen C0403720, MONDO:0010687, OMIM 310468.
Hypophosphatemic rickets, X-linked recessive (XLHRR). Identifiers: Orphanet 1652, Orphanet 93622, MedGen C1845168, MONDO:0010358, OMIM 300554.
Proteinuria, low molecular weight, with hypercalciuria and nephrocalcinosis. Identifiers: Orphanet 1652, Orphanet 93622, MedGen C1839874, MONDO:0010644, OMIM 308990.
Dent disease type 1 (DENT1). Also called: NEPHROLITHIASIS 2; NEPHROLITHIASIS, HYPERCALCIURIC, X-LINKED. Identifiers: Orphanet 1652, Orphanet 93622, MedGen C1848336, MONDO:0010225, OMIM 300009.

Submissions (2):

Rare Kidney Stone Consortium and the Mayo Clinic Hyperoxaluria Center, Mayo Clinic
Classification: Pathogenic for Dent disease type 1; Hypophosphatemic rickets, X-linked recessive; X-linked recessive nephrolithiasis with renal failure; Proteinuria, low molecular weight, with hypercalciuria and nephrocalcinosis. Last evaluated: 2025-10-03. Review status: criteria provided, single submitter. Criteria: ACMG Guidelines, 2015. Collection method: research. Allele origin: germline. Affected: yes. Observed: 1 variant allele.
Comment: ACMG:PVS1, PM2, PP3, PP5

OMIM
Classification: Pathogenic for PROTEINURIA, LOW MOLECULAR WEIGHT, WITH HYPERCALCIURIA AND NEPHROCALCINOSIS. Last evaluated: 1997-03-01. Review status: no assertion criteria provided. Collection method: literature only. Allele origin: germline. Not counted in ClinVar's aggregate classification.

Literature cited by the submitters: PubMed 9062355 (cited by Rare Kidney Stone Consortium and the Mayo Clinic Hyperoxaluria Center, Mayo Clinic and OMIM); PubMed 25525159 (cited by Rare Kidney Stone Consortium and the Mayo Clinic Hyperoxaluria Center, Mayo Clinic); PubMed 40794449 (cited by Rare Kidney Stone Consortium and the Mayo Clinic Hyperoxaluria Center, Mayo Clinic).

NM_001127898.4(CLCN5):c.1238G>A (p.Trp413Ter)

Gene: CLCN5 (Cl-/H+ antiporter 5; plus strand). Cytogenetic location: Xp11.23.
Variant type: single nucleotide variant.
Coding change: c.1238G>A on transcript NM_001127898.4 (MANE Select); coding-DNA position 1238, G replaced by A.
Protein change: p.Trp413Ter; replaces tryptophan 413 with a stop codon.
Molecular consequence: nonsense.
Genome position (GRCh38, 1-based): chrX:50,086,551, G>A. VCF-style: chrX-50086551-G-A. GRCh37 (hg19) VCF-style: chrX-49851208-G-A.
Other names: c.1028G>A, p.Trp343Ter (NM_000084.5); c.1238G>A, p.Trp413Ter (NM_001127899.4); c.1088G>A, p.Trp363Ter (NM_001282163.2); short protein forms W343*, W363*, W413*.
Identifiers: ClinVar variation 11803 (VCV000011803.3), dbSNP rs151340627, ClinGen allele CA121684.